The following is an entry in ClinVar:

NM_000198.4(HSD3B2):c.652T>C (p.Ser218Pro)

Gene: HSD3B2 (hydroxy-delta-5-steroid dehydrogenase, 3 beta- and steroid delta-isomerase 2; plus strand). Cytogenetic location: 1p12.
Variant type: single nucleotide variant.
Coding change: c.652T>C on transcript NM_000198.4 (MANE Select); coding-DNA position 652, T replaced by C.
Protein change: p.Ser218Pro; replaces serine 218 with proline.
Molecular consequence: missense variant.
Genome position (GRCh38, 1-based): chr1:119,422,153, T>C. VCF-style: chr1-119422153-T-C. GRCh37 (hg19) VCF-style: chr1-119964776-T-C.
Other names: c.652T>C, p.Ser218Pro (NM_001166120.2); short protein forms S218P.
Identifiers: ClinVar variation 2733971 (VCV002733971.3), dbSNP rs1651901764, ClinGen allele CA341397716.
Genomic context (GRCh38, chr1:119,422,153, plus strand): 5'-TCTGCCAGTATAAATGAGGCCCTGAACAACAATGGGATCCTGTCAAGTGTTGGAAAGTTC[T>C]CTACAGTCAACCCAGTCTATGTTGGCAACGTGGCCTGGGCCCACATTCTGGCCTTGAGGG-3'
Protein context (NP_000189.1, residues 208-228): NGILSSVGKF[Ser218Pro]TVNPVYVGNV

ClinVar aggregate classification (germline): Pathogenic (1 of 4 stars; one submission).

Allele frequency attached by ClinVar (database versions not stated): gnomAD exomes below 0.00001.

Submission:

Labcorp Genetics (formerly Invitae), Labcorp
Classification: Pathogenic. Last evaluated: 2024-02-18. Review status: criteria provided, single submitter. Criteria: Invitae Variant Classification Sherloc (09022015). Collection method: clinical testing. Allele origin: germline.
Comment: This sequence change replaces serine, which is neutral and polar, with proline, which is neutral and non-polar, at codon 218 of the HSD3B2 protein (p.Ser218Pro). This variant is not present in population databases (gnomAD no frequency). This missense change has been observed in individuals with 3-beta-hydroxysteroid dehydrogenase deficiency (PMID: 24372086, 31006099, 31950145). Advanced modeling of protein sequence and biophysical properties (such as structural, functional, and spatial information, amino acid conservation, physicochemical variation, residue mobility, and thermodynamic stability) performed at Invitae indicates that this missense variant is expected to disrupt HSD3B2 protein function with a positive predictive value of 80%. Experimental studies have shown that this missense change affects HSD3B2 function (PMID: 24372086). For these reasons, this variant has been classified as Pathogenic.

Literature cited by the submitters: PubMed 24372086; PubMed 31006099; PubMed 31950145.